The following is an entry in ClinVar:

ClinVar aggregate classification (germline): Uncertain significance (1 of 4 stars; one submission).

Conditions:
Hereditary cancer-predisposing syndrome. Also called: Neoplastic Syndromes, Hereditary; Tumor predisposition; Hereditary Cancer Syndrome; Hereditary neoplastic syndrome. Identifiers: Orphanet 140162, MedGen C0027672, MeSH D009386, MONDO:0015356.

Submissions (2):

Ambry Genetics
Classification: Uncertain significance for Hereditary cancer-predisposing syndrome. Last evaluated: 2024-10-29. Review status: criteria provided, single submitter. Criteria: Ambry Variant Classification Scheme 2023. Collection method: clinical testing. Allele origin: germline.
Comment: The p.E23D variant (also known as c.69G>T), located in coding exon 1 of the BRCA1 gene, results from a G to T substitution at nucleotide position 69. The glutamic acid at codon 23 is replaced by aspartic acid, an amino acid with highly similar properties. This amino acid position is highly conserved in available vertebrate species. In addition, the in silico prediction for this alteration is inconclusive. Based on the available evidence, the clinical significance of this variant remains unclear.

Brotman Baty Institute, University of Washington
No classification provided (evidence only). Condition: Breast-ovarian cancer, familial 1. Review status: no classification provided. Collection method: in vitro. Allele origin: not applicable. Functional consequence: function_uncertain_variant. Not counted in ClinVar's aggregate classification.
ClinVar note: "not provided" was previously submitted as the classification for the variant. However, the classification appeared to be based only on an observation of functional data so it was converted to no classification on 2025-07-30.

NM_007294.4(BRCA1):c.69G>T (p.Glu23Asp)

Gene: BRCA1 (BRCA1 DNA repair associated; minus strand). Cytogenetic location: 17q21.31.
Variant type: single nucleotide variant.
Coding change: c.69G>T on transcript NM_007294.4 (MANE Select); coding-DNA position 69, G replaced by T.
Protein change: p.Glu23Asp; replaces glutamic acid 23 with aspartic acid.
Molecular consequence: missense variant. On other transcripts: 5 prime UTR variant (1), non-coding transcript variant (1).
Genome position (GRCh38, 1-based): chr17:43,124,028, C>A on the plus strand (G>T on the coding strand, the complement: BRCA1 is on the minus strand). VCF-style: chr17-43124028-C-A. GRCh37 (hg19) VCF-style: chr17-41276045-C-A.
Other names: c.-192G>T (NM_001407838.1, NM_001407847.1, NM_001407850.1 and 22 more transcripts); c.-69G>T (NM_001407841.1); c.-189G>T (NM_001407842.1, NM_001407843.1, NM_001407930.1 and 11 more transcripts); c.-19G>T (NM_001407845.1, NM_001407849.1, NM_001407852.1 and 23 more transcripts); c.-218G>T (NM_001407846.1, NM_001407920.1, NM_001407697.1); c.-120G>T (NM_001407853.1, NM_001407879.1, NM_001407882.1 and 46 more transcripts); c.69G>T, p.Glu23Asp (NM_001407854.1, NM_001407858.1, NM_001407859.1 and 193 more transcripts); c.-66G>T (NM_001407881.1, NM_001407898.1, NM_001407902.1); and 8 more; short protein forms E23D.
Identifiers: ClinVar variation 868756 (VCV000868756.4), dbSNP rs766004110, ClinGen allele CA10602018.